The following is an entry in ClinVar:

NM_000059.4(BRCA2):c.262_263del (p.Leu88fs)

Gene: BRCA2 (BRCA2 DNA repair associated; plus strand). Cytogenetic location: 13q13.1.
Variant type: Microsatellite.
Coding change: c.262_263del on transcript NM_000059.4 (MANE Select); coding-DNA positions 262 to 263, 2 bases deleted (CT; older notation c.262_263delCT).
Protein change: p.Leu88fs; shifts the reading frame from leucine 88.
Molecular consequence: frameshift variant.
Genome position (GRCh38, 1-based): chr13:32,319,271-32,319,272, CT deleted; deleting any 2 consecutive bases within chr13:32,319,269-32,319,272 gives the same sequence; the c. name uses the placement nearest the transcript's 3' end. VCF-style (leftmost placement, unchanged base first): chr13-32319268-ACT-A. GRCh37 (hg19) VCF-style: chr13-32893405-ACT-A.
Other names: 490delCT; 490_491delCT; c.262_263delCT (NM_000059.3); short protein forms L88fs.
Identifiers: ClinVar variation 51317 (VCV000051317.29), dbSNP rs276174825, ClinGen allele CA015875.

ClinVar aggregate classification (germline): Pathogenic. Review status: reviewed by expert panel (3 of 4 stars). 14 submissions from 14 submitters: Pathogenic (1). 13 of the submissions do not count toward it. Last evaluated 2016-04-22.

Conditions:
Breast and/or ovarian cancer. Identifiers: MedGen CN221562.
Inherited breast cancer and ovarian cancer.
Hereditary cancer-predisposing syndrome. Also called: Tumor predisposition; Neoplastic Syndromes, Hereditary; Hereditary Cancer Syndrome; Hereditary neoplastic syndrome. Identifiers: Orphanet 140162, MedGen C0027672, MeSH D009386, MONDO:0015356.
Hereditary breast ovarian cancer syndrome. Also called: Hereditary breast and ovarian cancer syndrome (HBOC); Hereditary breast and ovarian cancer syndrome; Hereditary breast and ovarian cancer; Hereditary breast and/or ovarian cancer syndrome; Breast and ovarian cancer; BRCA1- and BRCA2-Associated Hereditary Breast and Ovarian Cancer. Identifiers: Orphanet 145, MedGen C0677776, MeSH D061325, MONDO:0003582. Disease mechanism: loss of function.
Breast-ovarian cancer, familial, susceptibility to, 2 (BROVCA2). Also called: BRCA2 Hereditary Breast and Ovarian Cancer. Identifiers: Orphanet 145, MedGen C2675520, MONDO:0012933, OMIM 612555. Disease mechanism: loss of function.
Breast-ovarian cancer, familial, susceptibility to, 1 (BROVCA1). Also called: OVARIAN CANCER, SUSCEPTIBILITY TO; BRCA1 Hereditary Breast and Ovarian Cancer. Identifiers: Orphanet 145, MedGen C2676676, MONDO:0011450, OMIM 604370. Disease mechanism: loss of function.

Submissions (14):

Evidence-based Network for the Interpretation of Germline Mutant Alleles (ENIGMA)
Classification: Pathogenic for Breast-ovarian cancer, familial, susceptibility to, 2. Last evaluated: 2016-04-22. Review status: reviewed by expert panel. Criteria: ENIGMA BRCA1/2 Classification Criteria (2015). Collection method: curation. Allele origin: germline.
Comment: Variant allele predicted to encode a truncated non-functional protein.

Genetics Laboratory, Great Ormond Street Hospital NHS Foundation Trust, North Thames Genomic Laboratory Hub
Classification: Pathogenic for Inherited breast cancer and ovarian cancer. Last evaluated: 2025-08-18. Review status: criteria provided, single submitter. Criteria: CanVIG BRCA Gene Specific V1.22. Collection method: clinical testing. Allele origin: germline. Affected: yes. Not counted in ClinVar's aggregate classification.
Comment: PS4_moderate, PM2_moderate, PVS1_very-strong, PM5_strong

Labcorp Genetics (formerly Invitae), Labcorp
Classification: Pathogenic for Hereditary breast ovarian cancer syndrome. Last evaluated: 2025-08-09. Review status: criteria provided, single submitter. Criteria: Invitae Variant Classification Sherloc (09022015). Collection method: clinical testing. Allele origin: germline. Not counted in ClinVar's aggregate classification.
Comment: This sequence change creates a premature translational stop signal (p.Leu88Alafs*12) in the BRCA2 gene. It is expected to result in an absent or disrupted protein product. Loss-of-function variants in BRCA2 are known to be pathogenic (PMID: 20104584). This variant is not present in population databases (gnomAD no frequency). This premature translational stop signal has been observed in individual(s) with breast and/or ovarian cancer (PMID: 15146557, 20151322, 23683081, 24578176, 25940717). This variant is also known as 488delCT and 490delCT. ClinVar contains an entry for this variant (Variation ID: 51317). Algorithms developed to predict the effect of sequence changes on RNA splicing suggest that this variant may disrupt the consensus splice site. For these reasons, this variant has been classified as Pathogenic.

Ambry Genetics
Classification: Pathogenic for Hereditary cancer-predisposing syndrome. Last evaluated: 2025-01-02. Review status: criteria provided, single submitter. Criteria: Ambry Variant Classification Scheme 2023. Collection method: clinical testing. Allele origin: germline. Not counted in ClinVar's aggregate classification.
Comment: The c.262_263delCT pathogenic mutation, located in coding exon 2 of the BRCA2 gene, results from a deletion of two nucleotides at nucleotide positions 262 to 263, causing a translational frameshift with a predicted alternate stop codon (p.L88Afs*12). This mutation has been identified in multiple breast, ovarian, and/or pancreatic cancer families in the literature from diverse populations (Gorski B et al. Int J Cancer. 2004 Jul 10;110(5):683-6; Thirthagiri E et al. Breast Cancer Res. 2008;10(4):R59; Novakovic S et al. Int J Oncol. 2012 Nov;41(5):1619-27; Blay P et al. BMC Cancer. 2013 May 17;13:243; Holter S et al. J. Clin. Oncol. 2015 Oct;33(28):3124-9; de Juan I et al. Fam. Cancer 2015 Dec;14(4):505-13; Wen WX et al. J. Med. Genet.,2018 02;55:97-103; Chan GHJ et al. Oncotarget. 2018 Jul;9:30649-30660; Bhaskaran SP et al. Int. J. Cancer. 2019 08;145:962-973). Of note, this alteration is also designated as 490delCT and 488delCT in some published literature. In addition to the clinical data presented in the literature, this alteration is expected to result in loss of function by premature protein truncation or nonsense-mediated mRNA decay. As such, this alteration is interpreted as a disease-causing mutation.

GeneDx
Classification: Pathogenic. Last evaluated: 2024-09-15. Review status: criteria provided, single submitter. Criteria: GeneDx Variant Classification Process June 2021. Collection method: clinical testing. Allele origin: germline. Affected: yes. Not counted in ClinVar's aggregate classification.
Comment: Frameshift variant predicted to result in protein truncation or nonsense mediated decay in a gene for which loss of function is a known mechanism of disease; Truncating variants in this gene are considered pathogenic by a well-established clinical consortium and/or database; Not observed at significant frequency in large population cohorts (gnomAD); Also known as 490_491del; This variant is associated with the following publications: (PMID: 28127413, 15146557, 25072261, 22923021, 33754277, 26843898, 23683081, 24578176, 20151322, 18627636, 26187060, 25940717, 26026974, 21614564, 29940740, 28724667, 28993434, 30702160, 30093976, 31825140, 30875412, 30787465, 31853058, 36385461, 36367610, 36135357, 35864222, 38003901, 38922859)

CHEO Genetics Diagnostic Laboratory, Children's Hospital of Eastern Ontario
Classification: Likely pathogenic for Breast and/or ovarian cancer. Last evaluated: 2023-04-06. Review status: criteria provided, single submitter. Criteria: ACMG Guidelines, 2015. Collection method: clinical testing. Allele origin: germline. Not counted in ClinVar's aggregate classification.

Quest Diagnostics Nichols Institute San Juan Capistrano
Classification: Pathogenic. Last evaluated: 2023-01-31. Review status: criteria provided, single submitter. Criteria: Quest Diagnostics criteria. Collection method: clinical testing. Allele origin: unknown. Not counted in ClinVar's aggregate classification.
Comment: This frameshift variant alters the translational reading frame of the BRCA2 mRNA and causes the premature termination of BRCA2 protein synthesis. This variant has not been reported in large, multi-ethnic general populations. In the published literature, the variant has been reported in individuals with breast cancer (PMID: 28724667 (2017), 26026974 (2015), 20151322 (2010), 18627636 (2008), and 15146557 (2004)), as well as pancreatic cancer (PMID: 25940717 (2015) and 25072261 (2014)). Based on the available information, this variant is classified as pathogenic.

Department of Molecular Diagnostics, Institute of Oncology Ljubljana
Classification: Pathogenic for Breast-ovarian cancer, familial, susceptibility to, 1. Last evaluated: 2020-04-02. Review status: criteria provided, single submitter. Criteria: ACMG Guidelines, 2015. Collection method: clinical testing. Allele origin: germline. Affected: yes. Not counted in ClinVar's aggregate classification.

Consortium of Investigators of Modifiers of BRCA1/2 (CIMBA), c/o University of Cambridge
Classification: Pathogenic for Breast-ovarian cancer, familial, susceptibility to, 2. Last evaluated: 2015-10-02. Review status: criteria provided, single submitter. Criteria: CIMBA Mutation Classification guidelines May 2016. Collection method: clinical testing. Allele origin: germline. Not counted in ClinVar's aggregate classification.

Clinical Genetics DNA and cytogenetics Diagnostics Lab, Erasmus MC, Erasmus Medical Center
Classification: Pathogenic for Breast-ovarian cancer, familial, susceptibility to, 2. Last evaluated: 2015-09-21. Review status: criteria provided, single submitter. Criteria: ACGS Guidelines, 2013. Collection method: clinical testing. Allele origin: germline. Affected: yes. Study: VKGL Data-share Consensus. Not counted in ClinVar's aggregate classification.

Molecular Oncology, Hospital Universitario Central de Asturias (HUCA)
Classification: Pathogenic for Breast-ovarian cancer, familial, susceptibility to, 2. Last evaluated: 2021-05-24. Review status: no assertion criteria provided. Collection method: case-control. Allele origin: germline. Affected: yes. Not counted in ClinVar's aggregate classification.

Counsyl
Classification: Pathogenic for Breast-ovarian cancer, familial, susceptibility to, 2. Last evaluated: 2016-09-07. Review status: no assertion criteria provided. Collection method: clinical testing. Allele origin: unknown. Not counted in ClinVar's aggregate classification.

Breast Cancer Information Core (BIC) (BRCA2)
Classification: Pathogenic for Breast-ovarian cancer, familial 2. Last evaluated: 2010-07-16. Review status: no assertion criteria provided. Collection method: clinical testing. Allele origin: germline. Affected: yes. Observed: 4 variant alleles. Not counted in ClinVar's aggregate classification.

Diagnostic Laboratory, Department of Genetics, University Medical Center Groningen
Classification: Pathogenic for Breast-ovarian cancer, familial, susceptibility to, 2. Review status: no assertion criteria provided. Collection method: clinical testing. Allele origin: germline. Affected: yes. Study: VKGL Data-share Consensus. Not counted in ClinVar's aggregate classification.

Literature cited by the submitters: PubMed 20104584 (cited by Labcorp Genetics (formerly Invitae), Labcorp); PubMed 15146557 (cited by 3 submitters); PubMed 20151322 (cited by 4 submitters); PubMed 23683081 (cited by Labcorp Genetics (formerly Invitae), Labcorp and Counsyl); PubMed 24578176 (cited by Labcorp Genetics (formerly Invitae), Labcorp and Counsyl); PubMed 25940717 (cited by 4 submitters); PubMed 26026974 (cited by Ambry Genetics and Quest Diagnostics Nichols Institute San Juan Capistrano); PubMed 28993434 (cited by Ambry Genetics and Quest Diagnostics Nichols Institute San Juan Capistrano); PubMed 30093976 (cited by Ambry Genetics and Quest Diagnostics Nichols Institute San Juan Capistrano); PubMed 30702160 (cited by Ambry Genetics and Quest Diagnostics Nichols Institute San Juan Capistrano); PubMed 29446198 (cited by Quest Diagnostics Nichols Institute San Juan Capistrano); PubMed 33471991 (cited by Quest Diagnostics Nichols Institute San Juan Capistrano); PubMed 18627636 (cited by Quest Diagnostics Nichols Institute San Juan Capistrano); PubMed 25072261 (cited by Quest Diagnostics Nichols Institute San Juan Capistrano); PubMed 28724667 (cited by Quest Diagnostics Nichols Institute San Juan Capistrano); PubMed 38922859 (cited by Molecular Oncology, Hospital Universitario Central de Asturias (HUCA)).